The following is an entry in ClinVar:

ClinVar aggregate classification (germline): Pathogenic. Review status: criteria provided, multiple submitters, no conflicts (2 of 4 stars). 9 submissions from 8 submitters: Pathogenic (8). 1 of the submissions does not count toward it. Last evaluated 2024-06-12.

Conditions:
Inborn genetic diseases. Identifiers: MedGen C0950123, MeSH D030342.
Intellectual developmental disorder with dysmorphic facies, seizures, and distal limb anomalies (IDDFSDA). Identifiers: Orphanet 505237, MedGen C4479520, MONDO:0044319, OMIM 617452.
Epilepsy. Also called: Seizure disorder. Identifiers: MedGen C0014544, MeSH D004827, MONDO:0005027.
Intellectual disability. Also called: Intellectual functioning disability; Intellectual developmental disorder; intellectual disabilities. Identifiers: MedGen C3714756, MeSH D008607, MONDO:0001071, HP:0001249.
Dysmorphic features. Identifiers: MedGen C0432072.

Allele frequency attached by ClinVar (database versions not stated): gnomAD exomes 0.00005 and 0.00016; gnomAD 0.00009 and 0.00011; TOPMed 0.00025; ESP Exome Variant Server 0.00015; ExAC 0.00018.

Submissions (10):

3billion
Classification: Pathogenic for Intellectual developmental disorder with dysmorphic facies, seizures, and distal limb anomalies. Last evaluated: 2024-06-12. Review status: criteria provided, single submitter. Criteria: ACMG Guidelines, 2015. Collection method: clinical testing. Allele origin: germline. Affected: yes.
Comment: The variant is observed at an extremely low frequency in the gnomAD v4.0.0 dataset (total allele frequency: 0.005%). Predicted Consequence/Location: Stop-gained (nonsense): predicted to result in a loss or disruption of normal protein function through nonsense-mediated decay (NMD) or protein truncation. Multiple pathogenic variants are reported downstream of the variant. The variant has been reported at least twice as pathogenic with clinical assertions and evidence for the classification (ClinVar ID: VCV000375701 /PMID: 28343629). Therefore, this variant is classified as Pathogenic according to the recommendation of ACMG/AMP guideline.

Labcorp Genetics (formerly Invitae), Labcorp
Classification: Pathogenic. Last evaluated: 2023-04-15. Review status: criteria provided, single submitter. Criteria: Invitae Variant Classification Sherloc (09022015). Collection method: clinical testing. Allele origin: germline.
Comment: For these reasons, this variant has been classified as Pathogenic. ClinVar contains an entry for this variant (Variation ID: 375701). This premature translational stop signal has been observed in individual(s) with an intellectual disability syndrome that includes seizures and facial dysmorphism (PMID: 28343629). It has also been observed to segregate with disease in related individuals. This variant is present in population databases (rs368313959, gnomAD 0.08%). This sequence change creates a premature translational stop signal (p.Arg145*) in the OTUD6B gene. It is expected to result in an absent or disrupted protein product. Loss-of-function variants in OTUD6B are known to be pathogenic (PMID: 28343629).

Ambry Genetics
Classification: Pathogenic for Inborn genetic diseases. Last evaluated: 2022-08-17. Review status: criteria provided, single submitter. Criteria: Ambry Variant Classification Scheme 2023. Collection method: clinical testing. Allele origin: germline.
Comment: The c.433C>T (p.R145*) alteration, located in exon 4 (coding exon 4) of the OTUD6B gene, consists of a C to T substitution at nucleotide position 433. This changes the amino acid from an arginine (R) to a stop codon at amino acid position 145. This alteration is expected to result in loss of function by premature protein truncation or nonsense-mediated mRNA decay. Based on data from gnomAD, the T allele has an overall frequency of 0.01% (36/240398) total alleles studied. The highest observed frequency was 0.09% (29/30828) of Latino alleles. This variant has been reported in the homozygous state in multiple unrelated individuals with syndromic intellectual disability (Santiago-Sim, 2017; S&aacute;nchez-Soler, 2020; Romero-Ibarguengoitia, 2020). Based on the available evidence, this alteration is classified as pathogenic.

GeneDx
Classification: Pathogenic. Last evaluated: 2022-01-21. Review status: criteria provided, single submitter. Criteria: GeneDx Variant Classification Process June 2021. Collection method: clinical testing. Allele origin: germline. Affected: yes.
Comment: Nonsense variant predicted to result in protein truncation or nonsense mediated decay in a gene for which loss-of-function is a known mechanism of disease; This variant is associated with the following publications: (PMID: 28343629, 32924626)

Revvity Omics, Revvity
Classification: Pathogenic for Intellectual developmental disorder with dysmorphic facies, seizures, and distal limb anomalies. Last evaluated: 2021-05-05. Review status: criteria provided, single submitter. Criteria: ACMG Guidelines, 2015. Collection method: clinical testing. Allele origin: germline.

Baylor Genetics
Classification: Pathogenic for Intellectual developmental disorder with dysmorphic facies, seizures, and distal limb anomalies. Last evaluated: 2020-02-24. Review status: criteria provided, single submitter. Criteria: ACMG Guidelines, 2015. Collection method: clinical testing. Allele origin: unknown. Affected: yes.
Comment: This variant was determined to be pathogenic according to ACMG Guidelines, 2015 [PMID:25741868].

Baylor Genetics
Classification: Pathogenic for Intellectual disability; Epilepsy; Dysmorphic features. Last evaluated: 2017-01-09. Review status: criteria provided, single submitter. Criteria: ACMG Guidelines, 2015. Collection method: clinical testing. Allele origin: germline. Inheritance: Autosomal recessive inheritance. Affected: yes. Observed: 15 variant alleles, 11 heterozygotes, 4 homozygotes. Clinical features observed: Intellectual disability, Seizure, Flexion contracture, Microcephaly, Abnormal facial shape.
Comment: An additional family was identified through research with 4 similarly affected sibs (2 deceased): 3 found to be homozygous, 1 not tested. Heterozygotes are expected to be asymptomatic carriers.

Clinical Genetics Service, Universitary Hospital 12 de Octubre
Classification: Pathogenic for Intellectual developmental disorder with dysmorphic facies, seizures, and distal limb anomalies. Review status: criteria provided, single submitter. Criteria: ACMG Guidelines, 2015. Collection method: clinical testing. Allele origin: germline. Affected: yes.

OMIM
Classification: Pathogenic for INTELLECTUAL DEVELOPMENTAL DISORDER WITH DYSMORPHIC FACIES, SEIZURES, AND DISTAL LIMB ANOMALIES. Last evaluated: 2017-05-03. Review status: no assertion criteria provided. Collection method: literature only. Allele origin: germline. Not counted in ClinVar's aggregate classification.

Dr. Peter K. Rogan Lab, Western University
No classification provided (evidence only). Condition: Colorectal cancer. Review status: no classification provided. Collection method: in vitro. Allele origin: not applicable. Functional consequence: retained intron. Not counted in ClinVar's aggregate classification.

Literature cited by the submitters: PubMed 28343629 (cited by 4 submitters); PubMed 31147255 (cited by Ambry Genetics); PubMed 32924626 (cited by Ambry Genetics).

NM_016023.5(OTUD6B):c.343C>T (p.Arg115Ter)

Gene: OTUD6B (OTU deubiquitinase 6B; plus strand). Cytogenetic location: 8q21.3.
Variant type: single nucleotide variant.
Coding change: c.343C>T on transcript NM_016023.5 (MANE Select); coding-DNA position 343, C replaced by T.
Protein change: p.Arg115Ter; replaces arginine 115 with a stop codon.
Molecular consequence: nonsense.
Genome position (GRCh38, 1-based): chr8:91,078,383, C>T. VCF-style: chr8-91078383-C-T. GRCh37 (hg19) VCF-style: chr8-92090611-C-T.
Other names: dbSNP:rs368313959; R145*; OTUD6B, ARG145TER (rs368313959); c.40C>T, p.Arg14Ter (NM_001286745.3); short protein forms R14*, R115*.
Identifiers: ClinVar variation 375701 (VCV000375701.21), dbSNP rs368313959, ClinGen allele CA4804760.